The following is an entry in ClinVar:

ClinVar aggregate classification (germline): Pathogenic/Likely pathogenic. Review status: criteria provided, multiple submitters, no conflicts (2 of 4 stars). 3 submissions from 3 submitters: Pathogenic (2); Likely pathogenic (1). Last evaluated 2026-06-02.

Conditions:
Familial adenomatous polyposis 1 (FAP1). Also called: FAMILIAL ADENOMATOUS POLYPOSIS 1, ATTENUATED; POLYPOSIS, ADENOMATOUS INTESTINAL. Identifiers: MedGen C2713442, MONDO:0021056, OMIM 175100. Disease mechanism: loss of function.
Hereditary cancer-predisposing syndrome. Also called: Tumor predisposition; Hereditary Cancer Syndrome; Neoplastic Syndromes, Hereditary; Hereditary neoplastic syndrome. Identifiers: Orphanet 140162, MedGen C0027672, MeSH D009386, MONDO:0015356.

Submissions (3):

Ambry Genetics
Classification: Likely pathogenic for Hereditary cancer-predisposing syndrome. Last evaluated: 2026-06-02. Review status: criteria provided, single submitter. Criteria: Ambry Variant Classification Scheme 2023. Collection method: clinical testing. Allele origin: germline.
Comment: The c.2844_2847dupTATG variant, located in coding exon 15 of the APC gene, results from a duplication of TATG at nucleotide position 2844, causing a translational frameshift with a predicted alternate stop codon (p.P950Yfs*14). This variant occurs at the 3' terminus of the gene, is not expected to trigger nonsense-mediated mRNA decay, and impacts the last 67% of the protein. However, premature stop codons are typically deleterious in nature and a significant portion of the protein is affected (Ambry internal data). This variant is considered to be rare based on population cohorts in the Genome Aggregation Database (gnomAD). Based on the majority of available evidence to date, this variant is likely to be pathogenic.

Myriad Genetics, Inc.
Classification: Pathogenic for Familial adenomatous polyposis 1. Last evaluated: 2023-05-05. Review status: criteria provided, single submitter. Criteria: Myriad Autosomal Dominant, Autosomal Recessive and X-Linked Classification Criteria (2023). Collection method: clinical testing. Allele origin: unknown.
Comment: This variant is considered pathogenic. This variant creates a frameshift predicted to result in premature protein truncation.

Labcorp Genetics (formerly Invitae), Labcorp
Classification: Pathogenic for Familial adenomatous polyposis 1. Last evaluated: 2018-12-14. Review status: criteria provided, single submitter. Criteria: Invitae Variant Classification Sherloc (09022015). Collection method: clinical testing. Allele origin: germline.
Comment: This variant is expected to disrupt the EB1 and HDLG binding sites, which mediate interactions with the cytoskeleton (PMID: 15311282, 17293347). While functional studies have not been performed to directly test the effect on APC protein function, this suggests that disruption of the C-terminal portion of the protein is functionally important. This variant has not been reported in the literature in individuals with APC-related conditions. This variant is not present in population databases (ExAC no frequency). This sequence change results in a premature translational stop signal in the APC gene (p.Pro950Tyrfs*14). While this is not anticipated to result in nonsense mediated decay, it is expected to disrupt the last 1894 amino acids of the APC protein. This variant disrupts the C-terminus of the APC protein. Other variant(s) that disrupt this region (p.Tyr2645Lysfs*14) have been determined to be pathogenic (PMID: 9824584, 1316610, 27081525, 8381579, 22135120, Invitae). This suggests that variants that disrupt this region of the protein are likely to be causative of disease. For these reasons, this variant has been classified as Pathogenic.

Literature cited by the submitters: PubMed 15311282 (cited by Labcorp Genetics (formerly Invitae), Labcorp); PubMed 17293347 (cited by Labcorp Genetics (formerly Invitae), Labcorp); PubMed 9824584 (cited by Labcorp Genetics (formerly Invitae), Labcorp); PubMed 1316610 (cited by Labcorp Genetics (formerly Invitae), Labcorp); PubMed 27081525 (cited by Labcorp Genetics (formerly Invitae), Labcorp); PubMed 8381579 (cited by Labcorp Genetics (formerly Invitae), Labcorp); PubMed 22135120 (cited by Labcorp Genetics (formerly Invitae), Labcorp).

NM_000038.6(APC):c.2844_2847dup (p.Pro950fs)

Gene: APC (APC regulator of Wnt signaling pathway; plus strand). Cytogenetic location: 5q22.2.
Variant type: Duplication.
Coding change: c.2844_2847dup on transcript NM_000038.6 (MANE Select); coding-DNA positions 2844 to 2847, 4 bases duplicated (TATG; older notation c.2844_2847dupTATG).
Protein change: p.Pro950fs; shifts the reading frame from proline 950.
Molecular consequence: frameshift variant.
Genome position (GRCh38, 1-based): chr5:112,838,438-112,838,441, TATG duplicated. VCF-style (leftmost placement, unchanged base first): chr5-112838437-C-CTATG. GRCh37 (hg19) VCF-style: chr5-112174134-C-CTATG.
Other names: c.2844_2847dupTATG (NM_000038.5); c.2844_2847dup, p.Pro950fs (NM_001127510.3, NM_001354895.2); c.2790_2793dup, p.Pro932fs (NM_001127511.3); c.2898_2901dup, p.Pro968fs (NM_001354896.2); c.2874_2877dup, p.Pro960fs (NM_001354897.2); c.2769_2772dup, p.Pro925fs (NM_001354898.2); c.2760_2763dup, p.Pro922fs (NM_001354899.2); c.2721_2724dup, p.Pro909fs (NM_001354900.2); and 6 more; short protein forms P824fs, P909fs, P925fs, P968fs, P849fs, P859fs, P891fs, P932fs.
Identifiers: ClinVar variation 652240 (VCV000652240.12), dbSNP rs1580628041, ClinGen allele CA915943475.